The following is an entry in ClinVar:

ClinVar aggregate classification (germline): Uncertain significance. Review status: criteria provided, multiple submitters, no conflicts (2 of 4 stars). 2 submissions from 2 submitters: Uncertain significance (2). Last evaluated 2025-05-05.

Conditions:
Inborn genetic diseases. Identifiers: MedGen C0950123, MeSH D030342.

Allele frequency attached by ClinVar (database versions not stated): TOPMed 0.00001.

Submissions (2):

Ambry Genetics
Classification: Uncertain significance for Inborn genetic diseases. Last evaluated: 2025-05-05. Review status: criteria provided, single submitter. Criteria: Ambry Variant Classification Scheme 2023. Collection method: clinical testing. Allele origin: germline.
Comment: The p.P67T variant (also known as c.199C>A), located in coding exon 3 of the FANCA gene, results from a C to A substitution at nucleotide position 199. The proline at codon 67 is replaced by threonine, an amino acid with highly similar properties. This amino acid position is conserved. In addition, this alteration is predicted to be tolerated by in silico analysis. Based on the available evidence, the clinical significance of this variant remains unclear.

Women's Health and Genetics/Laboratory Corporation of America, LabCorp
Classification: Uncertain significance. Last evaluated: 2022-02-18. Review status: criteria provided, single submitter. Criteria: LabCorp Variant Classification Summary - May 2015. Collection method: clinical testing. Allele origin: germline.

NM_000135.4(FANCA):c.199C>A (p.Pro67Thr)

Gene: FANCA (FA complementation group A; minus strand). Cytogenetic location: 16q24.3.
Variant type: single nucleotide variant.
Coding change: c.199C>A on transcript NM_000135.4 (MANE Select); coding-DNA position 199, C replaced by A.
Protein change: p.Pro67Thr; replaces proline 67 with threonine.
Molecular consequence: missense variant.
Genome position (GRCh38, 1-based): chr16:89,814,604, G>T on the plus strand (C>A on the coding strand, the complement: FANCA is on the minus strand). VCF-style: chr16-89814604-G-T. GRCh37 (hg19) VCF-style: chr16-89881012-G-T.
Other names: c.199C>A, p.Pro67Thr (NM_001018112.3, NM_001286167.3, NM_001351830.2); short protein forms P67T.
Identifiers: ClinVar variation 1343432 (VCV001343432.2), dbSNP rs575469396, ClinGen allele CA397482613.
Genomic context (GRCh38, chr16:89,814,604, plus strand): 5'-CATAGGCCTCAGAACTGTCACAGTCAATCACTTTGCTGAGAGACAATTTTTTACACAGTG[G>T]ACCTTCTACCTAGAATCCAAAACACAACAAACTCCATTTAAAAAATTCAAGCTCCAGGCC-3'
Protein context (NP_000126.2, residues 57-77): LNALLLEVEG[Pro67Thr]LCKKLSLSKV